The following is an entry in ClinVar:

ClinVar aggregate classification (germline): Uncertain significance (1 of 4 stars; one submission).

Conditions:
Leigh syndrome (NULS). Also called: Leigh's necrotizing encephalopathy; Leigh's disease; Leigh's syndrome; LEIGH SYNDROME, NUCLEAR; Leigh Syndrome (mtDNA deletion); Leigh Disease. Identifiers: Orphanet 506, MedGen C2931891, MONDO:0009723, OMIM 256000.

Submission:

Wong Mito Lab, Molecular and Human Genetics, Baylor College of Medicine
Classification: Uncertain significance for Leigh syndrome. Last evaluated: 2019-10-17. Review status: criteria provided, single submitter. Criteria: Modified ACMG Guidelines (Unpublished). Collection method: clinical testing. Allele origin: germline.
Comment: The NC_012920.1:m.15237T>G (YP_003024038.1:p.Ile164Ser) variant in MTCYB gene is interpretated to be a Uncertain Significance variant based on the modified ACMG guidelines (unpublished). This variant meets the following evidence codes: PP7

NC_012920.1(MT-CYB):m.15237T>G

Gene: MT-CYB (mitochondrially encoded cytochrome b; plus strand).
Variant type: single nucleotide variant.
Genome position: chrM-15237-T-G.
Identifiers: ClinVar variation 693850 (VCV000693850.1), dbSNP rs879217377, ClinGen allele CA913173318.